The following is an entry in ClinVar:

NM_020732.3:c.1044_1065dup

Gene: ARID1B (AT-rich interaction domain 1B; plus strand).
Variant type: Duplication.
Other names: c.1044_1065dup (NM_020732.3).
Identifiers: ClinVar variation 4537925 (VCV004537925.1).

ClinVar aggregate classification (germline): Pathogenic (1 of 4 stars; one submission).

Submission:

GeneDx
Classification: Pathogenic. Last evaluated: 2025-06-15. Review status: criteria provided, single submitter. Criteria: GeneDx Variant Classification Process June 2021. Collection method: clinical testing. Allele origin: germline. Affected: yes.
Comment: Frameshift variant predicted to result in protein truncation or nonsense mediated decay in a gene for which loss of function is a known mechanism of disease; Has not been previously published as pathogenic or benign to our knowledge